The following is an entry in ClinVar:

ClinVar aggregate classification (germline): Uncertain significance. Review status: criteria provided, multiple submitters, no conflicts (2 of 4 stars). 2 submissions from 2 submitters: Uncertain significance (2). Last evaluated 2024-04-24.

Conditions:
Inborn genetic diseases. Identifiers: MedGen C0950123, MeSH D030342.

Allele frequency attached by ClinVar (database versions not stated): TOPMed 0.00001; ExAC 0.00002; gnomAD 0.00002; ESP Exome Variant Server 0.00008.
gnomAD v4.1: 38 of 1,614,080 alleles (0.0024%); highest among the groups gnomAD compares: Non-Finnish European, 0.0031%; no homozygotes.

Submissions (2):

Ambry Genetics
Classification: Uncertain significance for Inborn genetic diseases. Last evaluated: 2024-04-24. Review status: criteria provided, single submitter. Criteria: Ambry Variant Classification Scheme 2023. Collection method: clinical testing. Allele origin: germline.

Labcorp Genetics (formerly Invitae), Labcorp
Classification: Uncertain significance. Last evaluated: 2022-02-11. Review status: criteria provided, single submitter. Criteria: Invitae Variant Classification Sherloc (09022015). Collection method: clinical testing. Allele origin: germline.
Comment: This variant is present in population databases (rs370143029, gnomAD 0.003%). This sequence change replaces glutamic acid, which is acidic and polar, with lysine, which is basic and polar, at codon 323 of the PDP1 protein (p.Glu323Lys). This variant has not been reported in the literature in individuals affected with PDP1-related conditions. In summary, the available evidence is currently insufficient to determine the role of this variant in disease. Therefore, it has been classified as a Variant of Uncertain Significance. Algorithms developed to predict the effect of missense changes on protein structure and function (SIFT, PolyPhen-2, Align-GVGD) all suggest that this variant is likely to be tolerated.

NM_018444.4(PDP1):c.967G>A (p.Glu323Lys)

Gene: PDP1 (pyruvate dehydrogenase phosphatase catalytic subunit 1; plus strand). Cytogenetic location: 8q22.1.
Variant type: single nucleotide variant.
Coding change: c.967G>A on transcript NM_018444.4 (MANE Select); coding-DNA position 967, G replaced by A.
Protein change: p.Glu323Lys; replaces glutamic acid 323 with lysine.
Molecular consequence: missense variant.
Genome position (GRCh38, 1-based): chr8:93,923,026, G>A. VCF-style: chr8-93923026-G-A. GRCh37 (hg19) VCF-style: chr8-94935254-G-A.
Other names: c.1042G>A, p.Glu348Lys (NM_001161779.2, NM_001161780.2); c.967G>A, p.Glu323Lys (NM_001161781.2); c.967G>A (NM_018444.3); short protein forms E348K, E323K.
Identifiers: ClinVar variation 1978948 (VCV001978948.5), dbSNP rs370143029, ClinGen allele CA4808765.